The following is an entry in ClinVar:

NM_005012.4(ROR1):c.1155G>A (p.Leu385=)

Gene: ROR1 (ROR family WNT receptor 1; plus strand). Cytogenetic location: 1p31.3.
Variant type: single nucleotide variant.
Coding change: c.1155G>A on transcript NM_005012.4 (MANE Select); coding-DNA position 1155, G replaced by A.
Protein change: p.Leu385=; no amino-acid change (leucine 385 retained).
Molecular consequence: synonymous variant.
Genome position (GRCh38, 1-based): chr1:64,142,631, G>A. VCF-style: chr1-64142631-G-A. GRCh37 (hg19) VCF-style: chr1-64608314-G-A.
Other names: c.1155G>A, p.Leu385= (NM_001083592.2).
Identifiers: ClinVar variation 788763 (VCV000788763.36), dbSNP rs138027299, ClinGen allele CA890212.

ClinVar aggregate classification (germline): Benign/Likely benign. Review status: criteria provided, multiple submitters, no conflicts (2 of 4 stars). 5 submissions from 5 submitters: Benign (3); Likely benign (2). Last evaluated 2025-12-03.

Conditions:
ROR1-related disorder. Also called: ROR1-related condition.

Allele frequency attached by ClinVar (database versions not stated): 1000 Genomes Project 0.00020; 1000 Genomes Project 30x 0.00031; gnomAD exomes 0.00059 and 0.00103; TOPMed 0.00067; gnomAD 0.00072 and 0.00074; ExAC 0.00079; ESP Exome Variant Server 0.00092.
gnomAD v4.1: 1,038 of 1,614,060 alleles (0.064%); highest among the groups gnomAD compares: Middle Eastern, 0.58%; 4 homozygotes.

Submissions (5):

Labcorp Genetics (formerly Invitae), Labcorp
Classification: Benign. Last evaluated: 2025-12-03. Review status: criteria provided, single submitter. Criteria: Invitae Variant Classification Sherloc (09022015). Collection method: clinical testing. Allele origin: germline.

PreventionGenetics, part of Exact Sciences
Classification: Benign for ROR1-related condition. Last evaluated: 2024-10-25. Review status: criteria provided, single submitter. Criteria: ACMG Guidelines, 2015. Collection method: clinical testing. Allele origin: germline.
Comment: This variant is classified as benign based on ACMG/AMP sequence variant interpretation guidelines (Richards et al. 2015 PMID: 25741868, with internal and published modifications).

Blueprint Genetics
Classification: Likely benign. Last evaluated: 2024-10-11. Review status: criteria provided, single submitter. Criteria: ACMG Guidelines, 2015. Collection method: clinical testing. Allele origin: germline.

CeGaT Center for Human Genetics Tuebingen
Classification: Likely benign. Last evaluated: 2022-12-01. Review status: criteria provided, single submitter. Criteria: CeGaT Center For Human Genetics Tuebingen Variant Classification Criteria Version 2. Collection method: clinical testing. Allele origin: germline. Affected: yes. Observed: 1 variant allele.
Comment: ROR1: BP4, BP7

Breakthrough Genomics
Classification: Benign. Review status: criteria provided, single submitter. Criteria: ACMG Guidelines, 2015. Collection method: not provided. Allele origin: germline. Inheritance: Autosomal recessive inheritance. Affected: yes.